The following is an entry in ClinVar:

NM_018076.5(ODAD2):c.1603G>C (p.Gly535Arg)

Gene: ODAD2 (outer dynein arm docking complex subunit 2; minus strand). Cytogenetic location: 10p12.1.
Variant type: single nucleotide variant.
Coding change: c.1603G>C on transcript NM_018076.5 (MANE Select); coding-DNA position 1603, G replaced by C.
Protein change: p.Gly535Arg; replaces glycine 535 with arginine.
Molecular consequence: missense variant.
Genome position (GRCh38, 1-based): chr10:27,944,362, C>G on the plus strand (G>C on the coding strand, the complement: ODAD2 is on the minus strand). VCF-style: chr10-27944362-C-G. GRCh37 (hg19) VCF-style: chr10-28233291-C-G.
Other names: c.1603G>C, p.Gly535Arg (NM_001290020.2); c.178G>C, p.Gly60Arg (NM_001290021.2); c.679G>C, p.Gly227Arg (NM_001312689.2); short protein forms G227R, G535R, G60R.
Identifiers: ClinVar variation 972407 (VCV000972407.9), dbSNP rs906233246, ClinGen allele CA204519575.

ClinVar aggregate classification (germline): Uncertain significance (1 of 4 stars; one submission).

Conditions:
Primary ciliary dyskinesia 23 (CILD23). Also called: CILIARY DYSKINESIA, PRIMARY, 23, WITH OR WITHOUT SITUS INVERSUS. Identifiers: Orphanet 244, MedGen C3809548, MONDO:0014193, OMIM 615451.

Allele frequency attached by ClinVar (database versions not stated): gnomAD 0.00001.
gnomAD v4.1: 3 of 1,613,850 alleles (0.00019%); highest among the groups gnomAD compares: Admixed American, 0.0017%; no homozygotes.

Submission:

Labcorp Genetics (formerly Invitae), Labcorp
Classification: Uncertain significance for Primary ciliary dyskinesia 23. Last evaluated: 2019-10-13. Review status: criteria provided, single submitter. Criteria: Invitae Variant Classification Sherloc (09022015). Collection method: clinical testing. Allele origin: germline.
Comment: In summary, the available evidence is currently insufficient to determine the role of this variant in disease. Therefore, it has been classified as a Variant of Uncertain Significance. Algorithms developed to predict the effect of missense changes on protein structure and function are either unavailable or do not agree on the potential impact of this missense change (SIFT: "Deleterious"; PolyPhen-2: "Benign"; Align-GVGD: "Class C0"). This variant has not been reported in the literature in individuals with ARMC4-related conditions. This variant is not present in population databases (ExAC no frequency). This sequence change replaces glycine with arginine at codon 535 of the ARMC4 protein (p.Gly535Arg). The glycine residue is moderately conserved and there is a moderate physicochemical difference between glycine and arginine.